The following is an entry in ClinVar:

ClinVar aggregate classification (germline): association (0 of 4 stars; one submission).

Conditions:
Oligospermia. Identifiers: MedGen C0028960, MeSH D009845, MONDO:0001913.

Submission:

Clinical Bioinformatic Lab, Royan Institute
Classification: association for Oligospermia. Last evaluated: 2019-12-20. Review status: no assertion criteria provided. Collection method: case-control. Allele origin: inherited. Affected: yes. Observed: 30 variant alleles, 30 heterozygotes.
Comment: The reported variant occurring in the exon 2 of the KIF3B gene is synonymous. In our study of 88 men with oligoasthenoteratozoospermia and 88 men with normal sperm analysis reports, 30 patients showed decreased KIF3B protein levels confirmed by immunocytochemistry and Western blot. None of the participants from the control group had the variant.

NM_004798.4(KIF3B):c.1032A>T (p.Pro344=)

Gene: KIF3B (kinesin family member 3B; plus strand). Cytogenetic location: 20q11.21.
Variant type: single nucleotide variant.
Coding change: c.1032A>T on transcript NM_004798.4 (MANE Select); coding-DNA position 1032, A replaced by T.
Protein change: p.Pro344=; no amino-acid change (proline 344 retained).
Molecular consequence: synonymous variant.
Genome position (GRCh38, 1-based): chr20:32,310,809, A>T. VCF-style: chr20-32310809-A-T. GRCh37 (hg19) VCF-style: chr20-30898612-A-T.
Identifiers: ClinVar variation 830043 (VCV000830043.3), dbSNP rs2047796277, ClinGen allele CA510470511.